The following is an entry in ClinVar:

ClinVar aggregate classification (germline): Uncertain significance (1 of 4 stars; one submission).

Conditions:
Familial hemophagocytic lymphohistiocytosis 2 (FHL2). Also called: PRF1-Related Familial Hemophagocytic Lymphohistiocytosis (PRF1-fHLH). Identifiers: Orphanet 540, MedGen C1863727, MONDO:0011337, OMIM 603553.

Allele frequency attached by ClinVar (database versions not stated): gnomAD exomes 0.00001; ExAC 0.00002.
gnomAD v4.1: 13 of 1,614,096 alleles (0.00081%); highest among the groups gnomAD compares: East Asian, 0.0045%; no homozygotes.

Submission:

Labcorp Genetics (formerly Invitae), Labcorp
Classification: Uncertain significance for Familial hemophagocytic lymphohistiocytosis 2. Last evaluated: 2024-09-03. Review status: criteria provided, single submitter. Criteria: Invitae Variant Classification Sherloc (09022015). Collection method: clinical testing. Allele origin: germline.
Comment: This sequence change replaces threonine, which is neutral and polar, with methionine, which is neutral and non-polar, at codon 173 of the PRF1 protein (p.Thr173Met). This variant is present in population databases (rs754180700, gnomAD 0.006%). This missense change has been observed in individual(s) with late onset hemophagocytic lymphohistiocytosis (PMID: 17674359). ClinVar contains an entry for this variant (Variation ID: 863308). Invitae Evidence Modeling of protein sequence and biophysical properties (such as structural, functional, and spatial information, amino acid conservation, physicochemical variation, residue mobility, and thermodynamic stability) has been performed for this missense variant. However, the output from this modeling did not meet the statistical confidence thresholds required to predict the impact of this variant on PRF1 protein function. In summary, the available evidence is currently insufficient to determine the role of this variant in disease. Therefore, it has been classified as a Variant of Uncertain Significance.

Literature cited by the submitters: PubMed 17674359.

NM_001083116.3(PRF1):c.518C>T (p.Thr173Met)

Gene: PRF1 (perforin 1; minus strand). Cytogenetic location: 10q22.1.
Variant type: single nucleotide variant.
Coding change: c.518C>T on transcript NM_001083116.3 (MANE Select); coding-DNA position 518, C replaced by T.
Protein change: p.Thr173Met; replaces threonine 173 with methionine.
Molecular consequence: missense variant.
Genome position (GRCh38, 1-based): chr10:70,600,385, G>A on the plus strand (C>T on the coding strand, the complement: PRF1 is on the minus strand). VCF-style: chr10-70600385-G-A. GRCh37 (hg19) VCF-style: chr10-72360141-G-A.
Other names: c.518C>T, p.Thr173Met (NM_005041.6); short protein forms T173M.
Identifiers: ClinVar variation 863308 (VCV000863308.8), dbSNP rs754180700, ClinGen allele CA5539019.